The following is an entry in ClinVar:

ClinVar aggregate classification (germline): Benign (1 of 4 stars; one submission).

Conditions:
Roberts-SC phocomelia syndrome (RBS). Also called: LONG BONE DEFICIENCIES ASSOCIATED WITH CLEFT LIP-PALATE; Hypomelia hypotrichosis facial hemangioma syndrome; ESCO2 Spectrum Disorder; Pseudothalidomide syndrome; Appelt-Gerken-Lenz syndrome. Identifiers: Orphanet 3103, MedGen C0392475, MONDO:0100253, OMIM 268300.

Allele frequency attached by ClinVar (database versions not stated): gnomAD exomes 0.00006; gnomAD 0.00083 and 0.00091; TOPMed 0.00091; 1000 Genomes Project 30x 0.00125; 1000 Genomes Project 0.00160.
gnomAD v4.1: 185 of 1,146,968 alleles (0.016%); highest among the groups gnomAD compares: African/African-American, 0.29%; no homozygotes.

Submission:

Illumina Laboratory Services, Illumina
Classification: Benign for Roberts-SC phocomelia syndrome. Last evaluated: 2017-04-27. Review status: criteria provided, single submitter. Criteria: ICSL Variant Classification Criteria 13 December 2019. Collection method: clinical testing. Allele origin: germline.
Comment: This variant was observed as part of a predisposition screen in an ostensibly healthy population. A literature search was performed for the gene, cDNA change, and amino acid change (where applicable). No publications were found based on this search. Allele frequency data from public databases was too high to be consistent with this variant causing disease. Therefore, this variant is classified as benign.

NM_001017420.3(ESCO2):c.*299T>C

Gene: ESCO2 (establishment of sister chromatid cohesion N-acetyltransferase 2; plus strand). Cytogenetic location: 8p21.1.
Variant type: single nucleotide variant.
Coding change: c.*299T>C on transcript NM_001017420.3 (MANE Select); 299 bases downstream of the stop codon, T replaced by C.
Molecular consequence: 3 prime UTR variant.
Genome position (GRCh38, 1-based): chr8:27,803,737, T>C. VCF-style: chr8-27803737-T-C. GRCh37 (hg19) VCF-style: chr8-27661254-T-C.
Identifiers: ClinVar variation 912100 (VCV000912100.4), dbSNP rs113728758, ClinGen allele CA174274320.